The following is an entry in ClinVar:

NM_013276.4(SHPK):c.1424A>G (p.Gln475Arg)

Gene: SHPK (sedoheptulokinase; minus strand). Cytogenetic location: 17p13.2.
Variant type: single nucleotide variant.
Coding change: c.1424A>G on transcript NM_013276.4 (MANE Select); coding-DNA position 1424, A replaced by G.
Protein change: p.Gln475Arg; replaces glutamine 475 with arginine.
Molecular consequence: missense variant.
Genome position (GRCh38, 1-based): chr17:3,610,573, T>C on the plus strand (A>G on the coding strand, the complement: SHPK is on the minus strand). VCF-style: chr17-3610573-T-C. GRCh37 (hg19) VCF-style: chr17-3513867-T-C.
Other names: short protein forms Q475R.
Identifiers: ClinVar variation 4763575 (VCV004763575.1).

ClinVar aggregate classification (germline): Uncertain significance (1 of 4 stars; one submission).

gnomAD v4.1: 1 of 1,597,616 alleles (0.000063%); highest among the groups gnomAD compares: Admixed American, 0.0017%; no homozygotes.

Submission:

Labcorp Genetics (formerly Invitae), Labcorp
Classification: Uncertain significance. Last evaluated: 2026-01-29. Review status: criteria provided, single submitter. Criteria: Invitae Variant Classification Sherloc (09022015). Collection method: clinical testing. Allele origin: germline.
Comment: This sequence change replaces glutamine, which is neutral and polar, with arginine, which is basic and polar, at codon 475 of the SHPK protein (p.Gln475Arg). This variant is present in population databases (no rsID available, gnomAD 0.003%). This variant has not been reported in the literature in individuals affected with SHPK-related conditions. An algorithm developed to predict the effect of missense changes on protein structure and function (PolyPhen-2) suggests that this variant is likely to be tolerated. In summary, the available evidence is currently insufficient to determine the role of this variant in disease. Therefore, it has been classified as a Variant of Uncertain Significance.